The following is an entry in ClinVar:

ClinVar aggregate classification (germline): Pathogenic (0 of 4 stars; one submission).

Conditions:
Reticular dysgenesis. Also called: ALEUKOCYTOSIS; CONGENITAL ALEUKIA; HEMATOPOIETIC HYPOPLASIA, GENERALIZED; RETICULAR DYSGENESIA; SEVERE COMBINED IMMUNODEFICIENCY WITH LEUKOPENIA; DeVaal disease. Identifiers: Orphanet 33355, MedGen C0272167, MONDO:0009973, OMIM 267500.

Submission:

OMIM
Classification: Pathogenic for RETICULAR DYSGENESIS. Last evaluated: 2009-01-01. Review status: no assertion criteria provided. Collection method: literature only. Allele origin: germline.

Literature cited by the submitters: PubMed 19043416.

NM_001625.4(AK2):c.523del (p.Arg175fs)

Gene: AK2 (adenylate kinase 2; minus strand). Cytogenetic location: 1p35.1.
Variant type: Deletion.
Coding change: c.523del on transcript NM_001625.4 (MANE Select); coding-DNA position 523, one base deleted (C; older notation c.523delC).
Protein change: p.Arg175fs; shifts the reading frame from arginine 175.
Molecular consequence: frameshift variant. On other transcripts: 3 prime UTR variant (1), non-coding transcript variant (1).
Genome position (GRCh38, 1-based): chr1:33,013,378, G deleted on the plus strand (C on the coding strand, the reverse complement: AK2 is on the minus strand). VCF-style (leftmost placement, unchanged base first): chr1-33013377-CG-C. GRCh37 (hg19) VCF-style: chr1-33478978-CG-C.
Other names: c.499del, p.Arg167fs (NM_001199199.3); c.379del, p.Arg127fs (NM_001319139.3, NM_001319140.2); c.523del, p.Arg175fs (NM_001319141.3, NM_013411.5); c.397del, p.Arg133fs (NM_001319142.3); c.*26del (NM_001319143.2); short protein forms R167fs, R175fs, R133fs, R127fs.
Identifiers: ClinVar variation 446366 (VCV000446366.1), dbSNP rs1553150995, ClinGen allele CA658656900.